The following is an entry in ClinVar:

NM_020366.4(RPGRIP1):c.895_896del (p.Glu299fs)

Gene: RPGRIP1 (RPGR interacting protein 1; plus strand). Cytogenetic location: 14q11.2.
Variant type: Deletion.
Coding change: c.895_896del on transcript NM_020366.4 (MANE Select); coding-DNA positions 895 to 896, 2 bases deleted (GA; older notation c.895_896delGA).
Protein change: p.Glu299fs; shifts the reading frame from glutamic acid 299.
Molecular consequence: frameshift variant.
Genome position (GRCh38, 1-based): chr14:21,307,825-21,307,826, GA deleted; deleting any 2 consecutive bases within chr14:21,307,824-21,307,826 gives the same sequence; the c. name uses the placement nearest the transcript's 3' end. VCF-style (leftmost placement, unchanged base first): chr14-21307823-CAG-C. GRCh37 (hg19) VCF-style: chr14-21775982-CAG-C.
Other names: c.894_895del (NM_020366.3); short protein forms E299fs.
Identifiers: ClinVar variation 814018 (VCV000814018.2), dbSNP rs1594180177, ClinGen allele CA658820622.

ClinVar aggregate classification (germline): Pathogenic. Review status: criteria provided, single submitter (1 of 4 stars). 2 submissions from 2 submitters: Pathogenic (1). 1 of the submissions does not count toward it. Last evaluated 2018-12-03.

Conditions:
Leber congenital amaurosis 6 (LCA6). Identifiers: Orphanet 65, MedGen C1854260, MONDO:0013446, OMIM 613826.

Submissions (2):

Broad Center for Mendelian Genomics, Broad Institute of MIT and Harvard
Classification: Pathogenic for Leber congenital amaurosis 6. Last evaluated: 2018-12-03. Review status: criteria provided, single submitter. Criteria: ACMG Guidelines, 2015. Collection method: research. Allele origin: germline. Inheritance: Autosomal recessive inheritance. Affected: yes.
Comment: The presence of this variant in combination with a likely pathogenic variant and in an individual with Leber congenital amaurosis slightly increases the likelihood that the p.Glu299SerfsTer21 variant is pathogenic. The p.Glu299SerfsTer21 variant in RPGRIP1 has not been previously reported in individuals with Leber congenital amaurosis and was absent from large population studies. This variant is predicted to cause a frameshift, which alters the proteinâ€™s amino acid sequence beginning at position 299 and leads to a premature termination codon 21 amino acids downstream. This alteration is then predicted to lead to a truncated or absent protein. Loss of function of the RPGRIP1 gene is an established disease mechanism in autosomal recessive Leber congenital amaurosis. In summary, the clinical significance of the p.Glu299SerfsTer21 variant is pathogenic. Criteria applied: PM2, PVS1, PM3_Supporting (Richards 2015).

Laboratory of Genetics in Ophthalmology, Institut Imagine
Classification: Pathogenic for Leber congenital amaurosis 6. Review status: no assertion criteria provided. Collection method: research. Allele origin: inherited. Affected: yes. Observed: 1 variant allele. Not counted in ClinVar's aggregate classification.